The following is an entry in ClinVar:

NM_000057.4(BLM):c.2951G>A (p.Gly984Glu)

Gene: BLM (BLM RecQ like helicase; plus strand). Cytogenetic location: 15q26.1.
Variant type: single nucleotide variant.
Coding change: c.2951G>A on transcript NM_000057.4 (MANE Select); coding-DNA position 2951, G replaced by A.
Protein change: p.Gly984Glu; replaces glycine 984 with glutamic acid.
Molecular consequence: missense variant.
Genome position (GRCh38, 1-based): chr15:90,790,776, G>A. VCF-style: chr15-90790776-G-A. GRCh37 (hg19) VCF-style: chr15-91334006-G-A.
Other names: c.2951G>A, p.Gly984Glu (NM_001287246.2, NM_001287247.2); c.1826G>A, p.Gly609Glu (NM_001287248.2); short protein forms G609E, G984E.
Identifiers: ClinVar variation 4867503 (VCV004867503.1).

ClinVar aggregate classification (germline): Uncertain significance (1 of 4 stars; one submission).

Conditions:
Hereditary cancer-predisposing syndrome. Also called: Neoplastic Syndromes, Hereditary; Tumor predisposition; Hereditary Cancer Syndrome; Hereditary neoplastic syndrome. Identifiers: Orphanet 140162, MedGen C0027672, MeSH D009386, MONDO:0015356.

Submission:

Ambry Genetics
Classification: Uncertain significance for Hereditary cancer-predisposing syndrome. Last evaluated: 2026-05-04. Review status: criteria provided, single submitter. Criteria: Ambry Variant Classification Scheme 2023. Collection method: clinical testing. Allele origin: germline.
Comment: The p.G984E variant (also known as c.2951G>A), located in coding exon 14 of the BLM gene, results from a G to A substitution at nucleotide position 2951. The glycine at codon 984 is replaced by glutamic acid, an amino acid with similar properties. This amino acid position is conserved. In addition, this alteration is predicted to be deleterious by in silico analysis. Based on the available evidence, the clinical significance of this variant remains unclear.